The following is an entry in ClinVar:

NM_001457.4(FLNB):c.4014del (p.Glu1340fs)

Gene: FLNB (filamin B; plus strand). Cytogenetic location: 3p14.3.
Variant type: Deletion.
Coding change: c.4014del on transcript NM_001457.4 (MANE Select); coding-DNA position 4014, one base deleted (G; older notation c.4014delG).
Protein change: p.Glu1340fs; shifts the reading frame from glutamic acid 1340.
Molecular consequence: frameshift variant.
Genome position (GRCh38, 1-based): chr3:58,125,696, G deleted. VCF-style (leftmost placement, unchanged base first): chr3-58125695-TG-T. GRCh37 (hg19) VCF-style: chr3-58111422-TG-T.
Other names: c.4014del, p.Glu1340fs (NM_001164317.2, NM_001164318.2, NM_001164319.2); short protein forms E1340fs.
Identifiers: ClinVar variation 2088065 (VCV002088065.4), dbSNP rs2471131635, ClinGen allele CA2580070363.

ClinVar aggregate classification (germline): Pathogenic (1 of 4 stars; one submission).

Submission:

Labcorp Genetics (formerly Invitae), Labcorp
Classification: Pathogenic. Last evaluated: 2022-01-31. Review status: criteria provided, single submitter. Criteria: Invitae Variant Classification Sherloc (09022015). Collection method: clinical testing. Allele origin: germline.
Comment: This variant is not present in population databases (gnomAD no frequency). This sequence change creates a premature translational stop signal (p.Glu1340Argfs*24) in the FLNB gene. It is expected to result in an absent or disrupted protein product. Loss-of-function variants in FLNB are known to be pathogenic (PMID: 14991055). This variant has not been reported in the literature in individuals affected with FLNB-related conditions. For these reasons, this variant has been classified as Pathogenic.

Literature cited by the submitters: PubMed 14991055.